The following is an entry in ClinVar:

ClinVar aggregate classification (germline): Uncertain significance. Review status: criteria provided, multiple submitters, no conflicts (2 of 4 stars). 2 submissions from 2 submitters: Uncertain significance (2). Last evaluated 2024-08-05.

Conditions:
MEGF8-related Carpenter syndrome. Also called: Carpenter syndrome 2. Identifiers: Orphanet 65759, MedGen C3554247, MONDO:0013998, OMIM 614976.
Inborn genetic diseases. Identifiers: MedGen C0950123, MeSH D030342.

Submissions (2):

Ambry Genetics
Classification: Uncertain significance for Inborn genetic diseases. Last evaluated: 2024-08-05. Review status: criteria provided, single submitter. Criteria: Ambry Variant Classification Scheme 2023. Collection method: clinical testing. Allele origin: germline.

Juno Genomics, Hangzhou Juno Genomics, Inc
Classification: Uncertain significance for MEGF8-related Carpenter syndrome. Review status: criteria provided, single submitter. Criteria: ACMG Guidelines, 2015. Collection method: clinical testing. Allele origin: germline.
Comment: Absent from controls (or at extremely low frequency if recessive) in Genome Aggregation Database.;De novo (both maternity and paternity confirmed) in a patient with the disease and no family history.

NM_001271938.2(MEGF8):c.7826C>G (p.Ser2609Trp)

Gene: MEGF8 (multiple EGF like domains 8; plus strand). Cytogenetic location: 19q13.2.
Variant type: single nucleotide variant.
Coding change: c.7826C>G on transcript NM_001271938.2 (MANE Select); coding-DNA position 7826, C replaced by G.
Protein change: p.Ser2609Trp; replaces serine 2609 with tryptophan.
Molecular consequence: missense variant.
Genome position (GRCh38, 1-based): chr19:42,376,063, C>G. VCF-style: chr19-42376063-C-G. GRCh37 (hg19) VCF-style: chr19-42880215-C-G.
Other names: c.7625C>G, p.Ser2542Trp (NM_001410.3); short protein forms S2609W, S2542W.
Identifiers: ClinVar variation 3394842 (VCV003394842.3).